The following is an entry in ClinVar:

NM_000059.4(BRCA2):c.9659C>G (p.Pro3220Arg)

Gene: BRCA2 (BRCA2 DNA repair associated; plus strand). Cytogenetic location: 13q13.1.
Variant type: single nucleotide variant.
Coding change: c.9659C>G on transcript NM_000059.4 (MANE Select); coding-DNA position 9659, C replaced by G.
Protein change: p.Pro3220Arg; replaces proline 3220 with arginine.
Molecular consequence: missense variant. On other transcripts: non-coding transcript variant (1).
Genome position (GRCh38, 1-based): chr13:32,398,172, C>G. VCF-style: chr13-32398172-C-G. GRCh37 (hg19) VCF-style: chr13-32972309-C-G.
Other names: c.9563C>G, p.Pro3188Arg (NM_001406719.1); c.9608C>G, p.Pro3203Arg (NM_001406720.1); c.4727C>G, p.Pro1576Arg (NM_001406721.1); c.3242C>G, p.Pro1081Arg (NM_001406722.1); c.9659C>G, p.Pro3220Arg (NM_001432077.1); short protein forms P1576R, P3203R, P1081R, P3188R, P3220R.
Identifiers: ClinVar variation 5033266 (VCV005033266.1).

ClinVar aggregate classification (germline): Uncertain significance (1 of 4 stars; one submission).

Conditions:
Hereditary cancer-predisposing syndrome. Also called: Neoplastic Syndromes, Hereditary; Tumor predisposition; Hereditary neoplastic syndrome; Hereditary Cancer Syndrome. Identifiers: Orphanet 140162, MedGen C0027672, MeSH D009386, MONDO:0015356.

Submission:

Ambry Genetics
Classification: Uncertain significance for Hereditary cancer-predisposing syndrome. Last evaluated: 2026-07-06. Review status: criteria provided, single submitter. Criteria: Ambry Variant Classification Scheme 2023. Collection method: clinical testing. Allele origin: germline.
Comment: The p.P3220R variant (also known as c.9659C>G), located in coding exon 26 of the BRCA2 gene, results from a C to G substitution at nucleotide position 9659. The proline at codon 3220 is replaced by arginine, an amino acid with dissimilar properties. This amino acid position is conserved. In addition, this alteration is predicted to be tolerated by in silico analysis. Based on the available evidence, the clinical significance of this variant remains unclear.